The following is an entry in ClinVar:

NM_001378373.1(MBL2):c.*2219A>C

Gene: MBL2 (mannose binding lectin 2; minus strand). Cytogenetic location: 10q21.1.
Variant type: single nucleotide variant.
Coding change: c.*2219A>C on transcript NM_001378373.1 (MANE Select); 2219 bases downstream of the stop codon, A replaced by C.
Molecular consequence: 3 prime UTR variant.
Genome position (GRCh38, 1-based): chr10:52,765,918, T>G on the plus strand (A>C on the coding strand, the complement: MBL2 is on the minus strand). VCF-style: chr10-52765918-T-G. GRCh37 (hg19) VCF-style: chr10-54525678-T-G.
Other names: c.*2219A>C (NM_000242.3, NM_001378374.1).
Identifiers: ClinVar variation 300110 (VCV000300110.6), dbSNP rs2083771, ClinGen allele CA10635445.

ClinVar aggregate classification (germline): Likely benign. Review status: criteria provided, multiple submitters, no conflicts (2 of 4 stars). 2 submissions from 2 submitters: Likely benign (2). Last evaluated 2018-01-13.

Conditions:
Mannose-binding lectin deficiency. Also called: LECTIN COMPLEMENT ACTIVATION PATHWAY, DEFECT IN, 1; MBP DEFICIENCY; MBL DEFICIENCY; MBL2 DEFICIENCY; Chronic infections, due to MBL deficiency. Identifiers: MedGen C3280586, MONDO:0013714, OMIM 614372.

Allele frequency attached by ClinVar (database versions not stated): gnomAD 0.32405 and 0.33140; TOPMed 0.33579; 1000 Genomes Project 0.33906; 1000 Genomes Project 30x 0.34681.

Submissions (2):

Illumina Laboratory Services, Illumina
Classification: Likely benign for Mannose-binding lectin deficiency. Last evaluated: 2018-01-13. Review status: criteria provided, single submitter. Criteria: ICSL Variant Classification Criteria 13 December 2019. Collection method: clinical testing. Allele origin: germline.
Comment: This variant was observed in the ICSL laboratory as part of a predisposition screen in an ostensibly healthy population. It had not been previously curated by ICSL or reported in the Human Gene Mutation Database (HGMD: prior to June 1st, 2018), and was therefore a candidate for classification through an automated scoring system. Utilizing variant allele frequency, disease prevalence and penetrance estimates, and inheritance mode, an automated score was calculated to assess if this variant is too frequent to cause the disease. Based on the score and internal cut-off values, a variant classified as likely benign is not then subjected to further curation. The score for this variant resulted in a classification of likely benign for this disease.

Breakthrough Genomics
Classification: Likely benign. Review status: criteria provided, single submitter. Criteria: ACMG Guidelines, 2015. Collection method: not provided. Allele origin: germline. Inheritance: Autosomal dominant inheritance. Affected: yes.